The following is an entry in ClinVar:

ClinVar aggregate classification (germline): Benign. Review status: criteria provided, multiple submitters, no conflicts (2 of 4 stars). 2 submissions from 2 submitters: Benign (2). Last evaluated 2018-06-14.

Allele frequency attached by ClinVar (database versions not stated): 1000 Genomes Project 0.60563; gnomAD 0.56954 and 0.57316; TOPMed 0.58107; 1000 Genomes Project 30x 0.60306.
gnomAD v4.1: 86,165 of 152,020 alleles (57%); highest among the groups gnomAD compares: African/African-American, 83%; 26,565 homozygotes.

Submissions (2):

GeneDx
Classification: Benign. Last evaluated: 2018-06-14. Review status: criteria provided, single submitter. Criteria: GeneDx Variant Classification (06012015). Collection method: clinical testing. Allele origin: germline. Affected: yes.
Comment: This variant is considered likely benign or benign based on one or more of the following criteria: it is a conservative change, it occurs at a poorly conserved position in the protein, it is predicted to be benign by multiple in silico algorithms, and/or has population frequency not consistent with disease.

Breakthrough Genomics
Classification: Benign. Review status: criteria provided, single submitter. Criteria: ACMG Guidelines, 2015. Collection method: not provided. Allele origin: germline. Inheritance: Autosomal recessive inheritance. Affected: yes.

NM_017646.6(TRIT1):c.414+263A>G

Gene: TRIT1 (tRNA isopentenyltransferase 1; minus strand). Cytogenetic location: 1p34.2.
Variant type: single nucleotide variant.
Coding change: c.414+263A>G on transcript NM_017646.6 (MANE Select); 263 bases into the intron after coding-DNA position 414, A replaced by G.
Molecular consequence: intron variant.
Genome position (GRCh38, 1-based): chr1:39,853,707, T>C on the plus strand (A>G on the coding strand, the complement: TRIT1 is on the minus strand). VCF-style: chr1-39853707-T-C. GRCh37 (hg19) VCF-style: chr1-40319379-T-C.
Other names: c.175-831A>G (NM_001312692.1); c.414+263A>G (NM_001312691.1).
Identifiers: ClinVar variation 684262 (VCV000684262.2), dbSNP rs2311342, ClinGen allele CA10836773.